The following is an entry in ClinVar:

ClinVar aggregate classification (germline): Likely benign (0 of 4 stars; one submission).

Conditions:
SQSTM1-related disorder. Also called: SQSTM1-Related Disorders.

Allele frequency attached by ClinVar (database versions not stated): gnomAD exomes 0.00002; gnomAD 0.00004; ExAC 0.00006; TOPMed 0.00007.
gnomAD v4.1: 34 of 1,614,072 alleles (0.0021%); highest among the groups gnomAD compares: Admixed American, 0.05%; no homozygotes.

Submission:

PreventionGenetics, part of Exact Sciences
Classification: Likely benign for SQSTM1-related condition. Last evaluated: 2024-02-26. Review status: no assertion criteria provided. Collection method: clinical testing. Allele origin: germline.
Comment: This variant is classified as likely benign based on ACMG/AMP sequence variant interpretation guidelines (Richards et al. 2015 PMID: 25741868, with internal and published modifications).

NM_003900.5(SQSTM1):c.1166-23T>C

Gene: SQSTM1 (sequestosome 1; plus strand). Cytogenetic location: 5q35.3.
Variant type: single nucleotide variant.
Coding change: c.1166-23T>C on transcript NM_003900.5 (MANE Select); 23 bases into the intron before coding-DNA position 1166, T replaced by C.
Molecular consequence: intron variant.
Genome position (GRCh38, 1-based): chr5:179,836,413, T>C. VCF-style: chr5-179836413-T-C. GRCh37 (hg19) VCF-style: chr5-179263413-T-C.
Other names: c.914-23T>C (NM_001142298.2, NM_001142299.2).
Identifiers: ClinVar variation 3054744 (VCV003054744.2), dbSNP rs773915429, ClinGen allele CA3600841.